The following is an entry in ClinVar:

ClinVar aggregate classification (germline): Uncertain significance (1 of 4 stars; one submission).

Conditions:
Emery-Dreifuss muscular dystrophy 5, autosomal dominant (EDMD5). Also called: EMERY-DREIFUSS MUSCULAR DYSTROPHY 5. Identifiers: Orphanet 261, MedGen C2751805, MONDO:0013072, OMIM 612999.

Submission:

Labcorp Genetics (formerly Invitae), Labcorp
Classification: Uncertain significance for Emery-Dreifuss muscular dystrophy 5, autosomal dominant. Last evaluated: 2025-07-17. Review status: criteria provided, single submitter. Criteria: Invitae Variant Classification Sherloc (09022015). Collection method: clinical testing. Allele origin: germline.
Comment: This sequence change creates a premature translational stop signal (p.Tyr2799*) in the SYNE2 gene. It is expected to result in an absent or disrupted protein product. However, the current clinical and genetic evidence is not sufficient to establish whether loss-of-function variants in SYNE2 cause disease. This variant is not present in population databases (gnomAD no frequency). This variant has not been reported in the literature in individuals affected with SYNE2-related conditions. In summary, the available evidence is currently insufficient to determine the role of this variant in disease. Therefore, it has been classified as a Variant of Uncertain Significance.

NM_182914.3(SYNE2):c.8397T>A (p.Tyr2799Ter)

Gene: SYNE2 (spectrin repeat containing nuclear envelope protein 2; plus strand). Cytogenetic location: 14q23.2.
Variant type: single nucleotide variant.
Coding change: c.8397T>A on transcript NM_182914.3 (MANE Select); coding-DNA position 8397, T replaced by A.
Protein change: p.Tyr2799Ter; replaces tyrosine 2799 with a stop codon.
Molecular consequence: nonsense.
Genome position (GRCh38, 1-based): chr14:64,052,310, T>A. VCF-style: chr14-64052310-T-A. GRCh37 (hg19) VCF-style: chr14-64519028-T-A.
Other names: c.8397T>A, p.Tyr2799Ter (NM_015180.6); short protein forms Y2799*.
Identifiers: ClinVar variation 4711507 (VCV004711507.1).
Genomic context (GRCh38, chr14:64,052,310, plus strand): 5'-GCAGTCTGTGGAATCGTTGGCTGAAGAGGTCAAAGATAAGGTTCCTAGCCTTACAACCTA[T>A]GAGGGCAGTGATTTAAATAATACCCTAGAGGACTTACGGAATCAATACCAAATGCTGGTT-3'